The following is an entry in ClinVar:

ClinVar aggregate classification (germline): Uncertain significance (1 of 4 stars; one submission).

gnomAD v4.1: 28 of 1,614,042 alleles (0.0017%); highest among the groups gnomAD compares: South Asian, 0.013%; 1 homozygote.

Submission:

Labcorp Genetics (formerly Invitae), Labcorp
Classification: Uncertain significance. Last evaluated: 2025-06-12. Review status: criteria provided, single submitter. Criteria: Invitae Variant Classification Sherloc (09022015). Collection method: clinical testing. Allele origin: germline.
Comment: This sequence change replaces arginine, which is basic and polar, with histidine, which is basic and polar, at codon 565 of the POLR1A protein (p.Arg565His). This variant is present in population databases (rs371176672, gnomAD 0.02%). This variant has not been reported in the literature in individuals affected with POLR1A-related conditions. ClinVar contains an entry for this variant (Variation ID: 3624017). Invitae Evidence Modeling of protein sequence and biophysical properties (such as structural, functional, and spatial information, amino acid conservation, physicochemical variation, residue mobility, and thermodynamic stability) indicates that this missense variant is not expected to disrupt POLR1A protein function with a negative predictive value of 80%. In summary, the available evidence is currently insufficient to determine the role of this variant in disease. Therefore, it has been classified as a Variant of Uncertain Significance.

NM_015425.6(POLR1A):c.1694G>A (p.Arg565His)

Genes: POLR1A (RNA polymerase I subunit A; minus strand), LOC126806264 (MED14-independent group 3 enhancer GRCh37_chr2:86296595-86297794; plus strand). Cytogenetic location: 2p11.2.
Variant type: single nucleotide variant.
Coding change: c.1694G>A on transcript NM_015425.6 (MANE Select); coding-DNA position 1694, G replaced by A.
Protein change: p.Arg565His; replaces arginine 565 with histidine.
Molecular consequence: missense variant.
Genome position (GRCh38, 1-based): chr2:86,070,190, C>T on the plus strand (G>A on the coding strand, the complement: POLR1A is on the minus strand). VCF-style: chr2-86070190-C-T. GRCh37 (hg19) VCF-style: chr2-86297313-C-T.
Other names: short protein forms R565H.
Identifiers: ClinVar variation 3624017 (VCV003624017.2).
Genomic context (GRCh38, chr2:86,070,190, plus strand): 5'-TAGGCCTTGCAGTTGGCATAGTGGAGCCGCAGCACTTTCTCTTCAGGCAGGATGCGGGCA[C>T]GGTGGGCCTGGATGGAGGGTCTGTGCAGTGTGGGCTGTCGGTTCAGTAGCAGAATGTCCC-3'
Protein context (NP_056240.2, residues 555-575): TLHRPSIQAH[Arg565His]ARILPEEKVL